The following is an entry in ClinVar:

ClinVar aggregate classification (germline): Uncertain significance. Review status: criteria provided, multiple submitters, no conflicts (2 of 4 stars). 2 submissions from 2 submitters: Uncertain significance (2). Last evaluated 2025-12-14.

Conditions:
Cardiovascular phenotype. Identifiers: MedGen CN230736.
Distal myopathy with posterior leg and anterior hand involvement. Also called: WILLIAMS DISTAL MYOPATHY. Identifiers: Orphanet 63273, MedGen C3279722, MONDO:0013550, OMIM 614065.
Hypertrophic cardiomyopathy 26. Also called: Cardiomyopathy, familial hypertrophic, 26. Identifiers: Orphanet 75249, MedGen C4310749, MONDO:0014883, OMIM 617047.
Myofibrillar myopathy 5. Also called: Filaminopathy (type); FILAMINOPATHY, AUTOSOMAL DOMINANT. Identifiers: Orphanet 171445, MedGen C1836050, MONDO:0012289, OMIM 609524.

Allele frequency attached by ClinVar (database versions not stated): gnomAD exomes below 0.00001.
gnomAD v4.1: 1 of 1,613,006 alleles (0.000062%); highest among the groups gnomAD compares: Middle Eastern, 0.016%; no homozygotes.

Submissions (2):

Labcorp Genetics (formerly Invitae), Labcorp
Classification: Uncertain significance for Distal myopathy with posterior leg and anterior hand involvement; Myofibrillar myopathy 5; Hypertrophic cardiomyopathy 26. Last evaluated: 2025-12-14. Review status: criteria provided, single submitter. Criteria: Invitae Variant Classification Sherloc (09022015). Collection method: clinical testing. Allele origin: germline.
Comment: This sequence change replaces glutamine, which is neutral and polar, with lysine, which is basic and polar, at codon 2432 of the FLNC protein (p.Gln2432Lys). This variant is not present in population databases (gnomAD no frequency). This variant has not been reported in the literature in individuals affected with FLNC-related conditions. ClinVar contains an entry for this variant (Variation ID: 1758119). Invitae Evidence Modeling of protein sequence and biophysical properties (such as structural, functional, and spatial information, amino acid conservation, physicochemical variation, residue mobility, and thermodynamic stability) indicates that this missense variant is not expected to disrupt FLNC protein function with a negative predictive value of 95%. In summary, the available evidence is currently insufficient to determine the role of this variant in disease. Therefore, it has been classified as a Variant of Uncertain Significance.

Ambry Genetics
Classification: Uncertain significance for Cardiovascular phenotype. Last evaluated: 2024-01-01. Review status: criteria provided, single submitter. Criteria: Ambry Variant Classification Scheme 2023. Collection method: clinical testing. Allele origin: germline.
Comment: The p.Q2432K variant (also known as c.7294C>A), located in coding exon 44 of the FLNC gene, results from a C to A substitution at nucleotide position 7294. The glutamine at codon 2432 is replaced by lysine, an amino acid with similar properties. This amino acid position is well conserved in available vertebrate species. In addition, the in silico prediction for this alteration is inconclusive. Since supporting evidence is limited at this time, the clinical significance of this alteration remains unclear.

NM_001458.5(FLNC):c.7294C>A (p.Gln2432Lys)

Genes: FLNC-AS1 (FLNC antisense RNA 1; minus strand), FLNC (filamin C; plus strand). Cytogenetic location: 7q32.1.
Variant type: single nucleotide variant.
Coding change: c.7294C>A on transcript NM_001458.5 (MANE Select); coding-DNA position 7294, C replaced by A.
Protein change: p.Gln2432Lys; replaces glutamine 2432 with lysine.
Molecular consequence: missense variant.
Genome position (GRCh38, 1-based): chr7:128,856,560, C>A. VCF-style: chr7-128856560-C-A. GRCh37 (hg19) VCF-style: chr7-128496614-C-A.
Other names: c.7195C>A, p.Gln2399Lys (NM_001127487.2); short protein forms Q2399K, Q2432K.
Identifiers: ClinVar variation 1758119 (VCV001758119.3), dbSNP rs1554401756, ClinGen allele CA369216624.